The following is an entry in ClinVar:

ClinVar aggregate classification (germline): Pathogenic/Likely pathogenic. Review status: criteria provided, multiple submitters, no conflicts (2 of 4 stars). 3 submissions from 3 submitters: Pathogenic (2); Likely pathogenic (1). Last evaluated 2024-07-24.

Conditions:
Early-infantile DEE. Also called: Early infantile epileptic encephalopathy; Ohtahara syndrome; Early infantile epileptic encephalopathy with suppression bursts. Identifiers: Orphanet 1934, MedGen C0393706, MONDO:0800491.

Submissions (3):

Labcorp Genetics (formerly Invitae), Labcorp
Classification: Pathogenic for Early-infantile DEE. Last evaluated: 2024-07-24. Review status: criteria provided, single submitter. Criteria: Invitae Variant Classification Sherloc (09022015). Collection method: clinical testing. Allele origin: germline.
Comment: This sequence change affects a donor splice site in intron 6 of the KCNQ2 gene. It is expected to disrupt RNA splicing. Variants that disrupt the donor or acceptor splice site typically lead to a loss of protein function (PMID: 16199547), and loss-of-function variants in KCNQ2 are known to be pathogenic (PMID: 14534157, 23692823, 27779742). This variant is not present in population databases (gnomAD no frequency). Disruption of this splice site has been observed in individual(s) with developmental and epileptic encephalopathy (PMID: 25951140, 36403551). In at least one individual the variant was observed to be de novo. ClinVar contains an entry for this variant (Variation ID: 489239). Algorithms developed to predict the effect of sequence changes on RNA splicing suggest that this variant may disrupt the consensus splice site. For these reasons, this variant has been classified as Pathogenic.

Mayo Clinic Laboratories, Mayo Clinic
Classification: Likely pathogenic. Last evaluated: 2021-07-20. Review status: criteria provided, single submitter. Criteria: ACMG Guidelines, 2015. Collection method: clinical testing. Allele origin: germline.
Comment: PVS1_strong, PM2

GeneDx
Classification: Pathogenic. Last evaluated: 2017-12-07. Review status: criteria provided, single submitter. Criteria: GeneDx Variant Classification (06012015). Collection method: clinical testing. Allele origin: germline. Affected: yes.
Comment: The c.927+1 G>A splice site variant in the KCNQ2 gene destroys the canonical splice donor site for intron 6. It is predicted to cause abnormal gene splicing, either leading to an abnormal message that is subject to nonsense-mediated mRNA decay, or to an abnormal protein product if the message is used for protein translation. Additionally, a different nucleotide change at this same canonical splice site (c.927+1G>C) has been reported as pathogenic in the published literature in association with a KCNQ2-related disorder (Kwong et al., 2015, Stenson et al., 2014). The c.927+1 G>A variant is not observed in large population cohorts (Lek et al., 2016). Therefore, the c.927+1 G>A is interpreted as pathogenic and its presence is consistent with the diagnosis of of a KCNQ2-related disorder in this individual.

Literature cited by the submitters: PubMed 16199547 (cited by Labcorp Genetics (formerly Invitae), Labcorp); PubMed 14534157 (cited by Labcorp Genetics (formerly Invitae), Labcorp); PubMed 23692823 (cited by Labcorp Genetics (formerly Invitae), Labcorp); PubMed 27779742 (cited by Labcorp Genetics (formerly Invitae), Labcorp); PubMed 25951140 (cited by Labcorp Genetics (formerly Invitae), Labcorp); PubMed 36403551 (cited by Labcorp Genetics (formerly Invitae), Labcorp).

NM_172107.4(KCNQ2):c.927+1G>A

Gene: KCNQ2 (potassium voltage-gated channel subfamily Q member 2; minus strand). Cytogenetic location: 20q13.33.
Variant type: single nucleotide variant.
Coding change: c.927+1G>A on transcript NM_172107.4 (MANE Select); the canonical splice donor site of the intron after coding-DNA position 927, G replaced by A.
Molecular consequence: splice donor variant.
Genome position (GRCh38, 1-based): chr20:63,439,597, C>T on the plus strand (G>A on the coding strand, the complement: KCNQ2 is on the minus strand). VCF-style: chr20-63439597-C-T. GRCh37 (hg19) VCF-style: chr20-62070950-C-T.
Other names: c.927+1G>A (NM_004518.6, NM_172108.5, NM_172106.3 and 2 more transcripts).
Identifiers: ClinVar variation 489239 (VCV000489239.8), dbSNP rs1555870346, ClinGen allele CA409652416.